The following is an entry in ClinVar:

NM_170784.3(MKKS):c.1519G>T (p.Glu507Ter)

Gene: MKKS (MKKS centrosomal shuttling protein; minus strand). Cytogenetic location: 20p12.2.
Variant type: single nucleotide variant.
Coding change: c.1519G>T on transcript NM_170784.3 (MANE Select); coding-DNA position 1519, G replaced by T.
Protein change: p.Glu507Ter; replaces glutamic acid 507 with a stop codon.
Molecular consequence: nonsense. On other transcripts: non-coding transcript variant (1).
Genome position (GRCh38, 1-based): chr20:10,405,441, C>A on the plus strand (G>T on the coding strand, the complement: MKKS is on the minus strand). VCF-style: chr20-10405441-C-A. GRCh37 (hg19) VCF-style: chr20-10386089-C-A.
Other names: c.1519G>T, p.Glu507Ter (NM_018848.3); short protein forms E507*.
Identifiers: ClinVar variation 4980421 (VCV004980421.1).

ClinVar aggregate classification (germline): Pathogenic (1 of 4 stars; one submission).

Conditions:
MKKS-related disorder. Also called: MKKS-related disorders; MKKS-related condition.

Submission:

PreventionGenetics, part of Exact Sciences
Classification: Pathogenic for MKKS-related condition. Last evaluated: 2025-07-07. Review status: criteria provided, single submitter. Criteria: ACMG Guidelines, 2015. Collection method: clinical testing. Allele origin: germline.
Comment: The MKKS c.1519G>T variant is predicted to result in premature protein termination (p.Glu507*). This variant has been reported homozygous in a consanguineous family with a mixed phenotype of Bardet-Biedl syndrome 6 and McKusick-Kaufman syndrome, presenting postaxial and probable mesoaxial polydactyly, genital malformations, retinitis pigmentosa, and intellectual disability (Megahed et al. 2021. DOI:10.4103/MXE.MXE_19_20). This variant is reported in 0.00088% of alleles in individuals of European (Non-Finnish) descent in gnomAD. Nonsense variants in MKKS are expected to be pathogenic. This variant is interpreted as pathogenic.